The following is an entry in ClinVar:

NM_003872.3(NRP2):c.1517C>T (p.Ala506Val)

Gene: NRP2 (neuropilin 2; plus strand). Cytogenetic location: 2q33.3.
Variant type: single nucleotide variant.
Coding change: c.1517C>T on transcript NM_003872.3 (MANE Select); coding-DNA position 1517, C replaced by T.
Protein change: p.Ala506Val; replaces alanine 506 with valine.
Molecular consequence: missense variant.
Genome position (GRCh38, 1-based): chr2:205,743,428, C>T. VCF-style: chr2-205743428-C-T. GRCh37 (hg19) VCF-style: chr2-206608152-C-T.
Other names: c.1517C>T, p.Ala506Val (NM_018534.4, NM_201264.2, NM_201266.2 and 2 more transcripts); short protein forms A506V.
Identifiers: ClinVar variation 3350898 (VCV003350898.2).

ClinVar aggregate classification (germline): Uncertain significance (1 of 4 stars; one submission).

Conditions:
NRP2-related disorder. Also called: NRP2-related condition.

gnomAD v4.1: 11 of 1,614,096 alleles (0.00068%); highest among the groups gnomAD compares: Non-Finnish European, 0.00085%; no homozygotes.

Submission:

PreventionGenetics, part of Exact Sciences
Classification: Uncertain significance for NRP2-related condition. Last evaluated: 2025-04-22. Review status: criteria provided, single submitter. Criteria: ACMG Guidelines, 2015. Collection method: clinical testing. Allele origin: germline.
Comment: The NRP2 c.1517C>T variant is predicted to result in the amino acid substitution p.Ala506Val. This variant has been reported in individuals with severe obesity (van der Klaauw et al. 2019. PubMed ID: 30661757). Functional studies found this variant decreased cell-surface expression compared to wild type, reduced total binding, and resulted in a reduction in the density of a-MSH-labeled fibers (van der Klaauw et al. 2019. PubMed ID: 30661757). This variant is reported in 0.0023% of alleles in individuals of European (Non-Finnish) descent in gnomAD. At this time, the clinical significance of this variant is uncertain due to the absence of conclusive functional and genetic evidence.